The following is an entry in ClinVar:

NM_032383.5(HPS3):c.2090_2094del (p.Met697fs)

Gene: HPS3 (HPS3 biogenesis of lysosomal organelles complex 2 subunit 1; plus strand). Cytogenetic location: 3q24.
Variant type: Microsatellite.
Coding change: c.2090_2094del on transcript NM_032383.5 (MANE Select); coding-DNA positions 2090 to 2094, 5 bases deleted (TGAAA; older notation c.2090_2094delTGAAA).
Protein change: p.Met697fs; shifts the reading frame from methionine 697.
Molecular consequence: frameshift variant.
Genome position (GRCh38, 1-based): chr3:149,160,263-149,160,267, TGAAA deleted; deleting any 5 consecutive bases within chr3:149,160,254-149,160,267 gives the same sequence; the c. name uses the placement nearest the transcript's 3' end. VCF-style (leftmost placement, unchanged base first): chr3-149160253-AGAAAT-A. GRCh37 (hg19) VCF-style: chr3-148878040-AGAAAT-A.
Other names: c.1595_1599del, p.Met532fs (NM_001308258.2); short protein forms M532fs, M697fs.
Identifiers: ClinVar variation 1072050 (VCV001072050.10), dbSNP rs1032570128, ClinGen allele CA85509915.

ClinVar aggregate classification (germline): Pathogenic/Likely pathogenic. Review status: criteria provided, multiple submitters, no conflicts (2 of 4 stars). 3 submissions from 3 submitters: Pathogenic (1); Likely pathogenic (2). Last evaluated 2024-03-30.

Conditions:
Hermansky-Pudlak syndrome 3 (HPS3). Identifiers: Orphanet 231512, Orphanet 79430, MedGen C3888001, MONDO:0013555, OMIM 614072.

Submissions (3):

Baylor Genetics
Classification: Likely pathogenic for Hermansky-Pudlak syndrome 3. Last evaluated: 2024-03-30. Review status: criteria provided, single submitter. Criteria: ACMG Guidelines, 2015. Collection method: clinical testing. Allele origin: unknown.

Fulgent Genetics
Classification: Likely pathogenic for Hermansky-Pudlak syndrome 3. Last evaluated: 2024-03-06. Review status: criteria provided, single submitter. Criteria: ACMG Guidelines, 2015. Collection method: clinical testing. Allele origin: germline.

Labcorp Genetics (formerly Invitae), Labcorp
Classification: Pathogenic. Last evaluated: 2023-05-05. Review status: criteria provided, single submitter. Criteria: Invitae Variant Classification Sherloc (09022015). Collection method: clinical testing. Allele origin: germline.
Comment: This sequence change creates a premature translational stop signal (p.Met697Lysfs*59) in the HPS3 gene. It is expected to result in an absent or disrupted protein product. Loss-of-function variants in HPS3 are known to be pathogenic (PMID: 11590544). For these reasons, this variant has been classified as Pathogenic. This variant has not been reported in the literature in individuals affected with HPS3-related conditions. The frequency data for this variant in the population databases is considered unreliable, as metrics indicate poor data quality at this position in the gnomAD database.

Literature cited by the submitters: PubMed 11590544 (cited by Labcorp Genetics (formerly Invitae), Labcorp).